The following is an entry in ClinVar:

ClinVar aggregate classification (germline): Uncertain significance (1 of 4 stars; one submission).

Conditions:
Hereditary sensory and autonomic neuropathy type 6. Also called: HSAN VI; Neuropathy, hereditary sensory and autonomic, type VI. Identifiers: Orphanet 314381, MedGen C3539003, MONDO:0013839, OMIM 614653.
Epidermolysis bullosa simplex 3, localized or generalized intermediate, with BP230 deficiency (EBS3). Also called: Epidermolysis bullosa simplex, autosomal recessive 2; Epidermolysis bullosa simplex due to BP230 deficiency. Identifiers: Orphanet 412181, MedGen C3809470, MONDO:0014180, OMIM 615425.

Allele frequency attached by ClinVar (database versions not stated): ExAC 0.00001; gnomAD exomes 0.00001.

Submission:

Labcorp Genetics (formerly Invitae), Labcorp
Classification: Uncertain significance for Epidermolysis bullosa simplex 3, localized or generalized intermediate, with BP230 deficiency; Hereditary sensory and autonomic neuropathy type 6. Last evaluated: 2022-09-06. Review status: criteria provided, single submitter. Criteria: Invitae Variant Classification Sherloc (09022015). Collection method: clinical testing. Allele origin: germline.
Comment: This sequence change replaces alanine, which is neutral and non-polar, with valine, which is neutral and non-polar, at codon 480 of the DST protein (p.Ala480Val). This variant is present in population databases (rs760457066, gnomAD 0.01%). This variant has not been reported in the literature in individuals affected with DST-related conditions. ClinVar contains an entry for this variant (Variation ID: 474508). Algorithms developed to predict the effect of missense changes on protein structure and function are either unavailable or do not agree on the potential impact of this missense change (SIFT: "Deleterious"; PolyPhen-2: "Benign"; Align-GVGD: "Class C0"). In summary, the available evidence is currently insufficient to determine the role of this variant in disease. Therefore, it has been classified as a Variant of Uncertain Significance.

NM_001374736.1(DST):c.3050C>T (p.Ala1017Val)

Gene: DST (dystonin; minus strand). Cytogenetic location: 6p12.1.
Variant type: single nucleotide variant.
Coding change: c.3050C>T on transcript NM_001374736.1 (MANE Select); coding-DNA position 3050, C replaced by T.
Protein change: p.Ala1017Val; replaces alanine 1017 with valine.
Molecular consequence: missense variant.
Genome position (GRCh38, 1-based): chr6:56,636,567, G>A on the plus strand (C>T on the coding strand, the complement: DST is on the minus strand). VCF-style: chr6-56636567-G-A. GRCh37 (hg19) VCF-style: chr6-56501365-G-A.
Other names: c.2951C>T, p.Ala984Val (NM_001144769.5); c.2537C>T, p.Ala846Val (NM_001144770.2); c.3050C>T, p.Ala1017Val (NM_001374722.1); c.2417C>T, p.Ala806Val (NM_001374729.1, NM_001374730.1, NM_001386100.1 and 1 more transcripts); c.3077C>T, p.Ala1026Val (NM_001374734.1); c.1439C>T, p.Ala480Val (NM_001723.7, NM_015548.5); short protein forms A480V, A846V, A806V, A984V, A1017V, A1026V.
Identifiers: ClinVar variation 474508 (VCV000474508.6), dbSNP rs760457066, ClinGen allele CA3871252.